The following is an entry in ClinVar:

ClinVar aggregate classification (germline): Uncertain significance. Review status: criteria provided, multiple submitters, no conflicts (2 of 4 stars). 3 submissions from 3 submitters: Uncertain significance (3). Last evaluated 2024-08-12.

Conditions:
Fanconi anemia (FA). Also called: Fanconi's anemia. Identifiers: Orphanet 84, MedGen C0015625, MeSH D005199, MONDO:0019391.
Fanconi anemia complementation group P. Also called: SLX4-Related Fanconi Anemia. Identifiers: Orphanet 84, MedGen C3469542, MONDO:0013499, OMIM 613951.

Allele frequency attached by ClinVar (database versions not stated): 1000 Genomes Project 0.00020; 1000 Genomes Project 30x 0.00031; gnomAD exomes 0.00001; ExAC 0.00002; TOPMed 0.00004; gnomAD 0.00005; ESP Exome Variant Server 0.00008.
gnomAD v4.1: 21 of 1,614,016 alleles (0.0013%); highest among the groups gnomAD compares: African/African-American, 0.0053%; no homozygotes.

Submissions (3):

Labcorp Genetics (formerly Invitae), Labcorp
Classification: Uncertain significance for Fanconi anemia. Last evaluated: 2024-08-12. Review status: criteria provided, single submitter. Criteria: Invitae Variant Classification Sherloc (09022015). Collection method: clinical testing. Allele origin: germline.
Comment: This sequence change replaces arginine, which is basic and polar, with cysteine, which is neutral and slightly polar, at codon 1791 of the SLX4 protein (p.Arg1791Cys). This variant is present in population databases (rs371875095, gnomAD 0.008%). This variant has not been reported in the literature in individuals affected with SLX4-related conditions. ClinVar contains an entry for this variant (Variation ID: 885196). An algorithm developed to predict the effect of missense changes on protein structure and function outputs the following: PolyPhen-2: "Benign". The cysteine amino acid residue is found in multiple mammalian species, which suggests that this missense change does not adversely affect protein function. In summary, the available evidence is currently insufficient to determine the role of this variant in disease. Therefore, it has been classified as a Variant of Uncertain Significance.

Sema4
Classification: Uncertain significance for Fanconi anemia. Last evaluated: 2021-11-02. Review status: criteria provided, single submitter. Criteria: Sema4 Curation Guidelines. Collection method: curation. Allele origin: germline.
Comment: The SLX4 c.5371C>T (p.R1791C) variant has not been reported in the literature to our knowledge. It was observed in 2/24938 chromosomes of the African subpopulation in the large and broad cohorts of the Genome Aggregation Database (PMID: 32461654), and has been reported in ClinVar (Variation ID 885196). In silico tools suggest the impact of the variant on protein function is benign, though these predictions have not been confirmed by functional studies. The evidence is insufficient to meet ACMG/AMP criteria for classifying the variant as benign or pathogenic. Thus, the clinical significance of this variant is currently uncertain.

Illumina Laboratory Services, Illumina
Classification: Uncertain significance for Fanconi anemia complementation group P. Last evaluated: 2018-01-12. Review status: criteria provided, single submitter. Criteria: ICSL Variant Classification Criteria 13 December 2019. Collection method: clinical testing. Allele origin: germline.

NM_032444.4(SLX4):c.5371C>T (p.Arg1791Cys)

Gene: SLX4 (SLX4 structure-specific endonuclease subunit; minus strand). Cytogenetic location: 16p13.3.
Variant type: single nucleotide variant.
Coding change: c.5371C>T on transcript NM_032444.4 (MANE Select); coding-DNA position 5371, C replaced by T.
Protein change: p.Arg1791Cys; replaces arginine 1791 with cysteine.
Molecular consequence: missense variant.
Genome position (GRCh38, 1-based): chr16:3,582,476, G>A on the plus strand (C>T on the coding strand, the complement: SLX4 is on the minus strand). VCF-style: chr16-3582476-G-A. GRCh37 (hg19) VCF-style: chr16-3632477-G-A.
Other names: short protein forms R1791C.
Identifiers: ClinVar variation 885196 (VCV000885196.13), dbSNP rs371875095, ClinGen allele CA7865331.